The following is an entry in ClinVar:

ClinVar aggregate classification (germline): Uncertain significance. Review status: criteria provided, multiple submitters, no conflicts (2 of 4 stars). 2 submissions from 2 submitters: Uncertain significance (2). Last evaluated 2025-09-22.

Conditions:
Hereditary cancer-predisposing syndrome. Also called: Tumor predisposition; Hereditary neoplastic syndrome; Hereditary Cancer Syndrome; Neoplastic Syndromes, Hereditary. Identifiers: Orphanet 140162, MedGen C0027672, MeSH D009386, MONDO:0015356.

Allele frequency attached by ClinVar (database versions not stated): gnomAD exomes below 0.00001; TOPMed below 0.00001.
gnomAD v4.1: 1 of 1,610,598 alleles (0.000062%); highest among the groups gnomAD compares: Admixed American, 0.0017%; no homozygotes.

Submissions (2):

Labcorp Genetics (formerly Invitae), Labcorp
Classification: Uncertain significance. Last evaluated: 2025-09-22. Review status: criteria provided, single submitter. Criteria: Invitae Variant Classification Sherloc (09022015). Collection method: clinical testing. Allele origin: germline.
Comment: This sequence change replaces arginine, which is basic and polar, with cysteine, which is neutral and slightly polar, at codon 214 of the HOXB13 protein (p.Arg214Cys). This variant is present in population databases (no rsID available, gnomAD 0.003%). This variant has not been reported in the literature in individuals affected with HOXB13-related conditions. ClinVar contains an entry for this variant (Variation ID: 3019076). Invitae Evidence Modeling of protein sequence and biophysical properties (such as structural, functional, and spatial information, amino acid conservation, physicochemical variation, residue mobility, and thermodynamic stability) has been performed for this missense variant. However, the output from this modeling did not meet the statistical confidence thresholds required to predict the impact of this variant on HOXB13 protein function. In summary, the available evidence is currently insufficient to determine the role of this variant in disease. Therefore, it has been classified as a Variant of Uncertain Significance.

Ambry Genetics
Classification: Uncertain significance for Hereditary cancer-predisposing syndrome. Last evaluated: 2025-05-16. Review status: criteria provided, single submitter. Criteria: Ambry Variant Classification Scheme 2023. Collection method: clinical testing. Allele origin: germline.
Comment: The p.R214C variant (also known as c.640C>T), located in coding exon 2 of the HOXB13 gene, results from a C to T substitution at nucleotide position 640. The arginine at codon 214 is replaced by cysteine, an amino acid with highly dissimilar properties. This amino acid position is well conserved in available vertebrate species. In addition, this alteration is predicted to be deleterious by in silico analysis. Based on the available evidence, the clinical significance of this variant remains unclear.

NM_006361.6(HOXB13):c.640C>T (p.Arg214Cys)

Gene: HOXB13 (homeobox B13; minus strand). Cytogenetic location: 17q21.32.
Variant type: single nucleotide variant.
Coding change: c.640C>T on transcript NM_006361.6 (MANE Select); coding-DNA position 640, C replaced by T.
Protein change: p.Arg214Cys; replaces arginine 214 with cysteine.
Molecular consequence: missense variant.
Genome position (GRCh38, 1-based): chr17:48,727,005, G>A on the plus strand (C>T on the coding strand, the complement: HOXB13 is on the minus strand). VCF-style: chr17-48727005-G-A. GRCh37 (hg19) VCF-style: chr17-46804367-G-A.
Other names: short protein forms R214C.
Identifiers: ClinVar variation 3019076 (VCV003019076.4), dbSNP rs1187061907, ClinGen allele CA400106924.
Genomic context (GRCh38, chr17:48,727,005, plus strand): 5'-CCCGCTCCAGCTCCCGCAACTGCCCCTTGCTGTACGGAATGCGTTTCTTGCGGCCGCGAC[G>A]AAAGGCGCAGGCGTCAGGAGGGTGCTGCCCGCTGGAGTCTGCGCGGCGTGAAAGGGAGGG-3'
Protein context (NP_006352.2, residues 204-224): GQHPPDACAF[Arg214Cys]RGRKKRIPYS